The following is an entry in ClinVar:

NM_000350.3(ABCA4):c.302+67A>T

Gene: ABCA4 (ATP binding cassette subfamily A member 4; minus strand). Cytogenetic location: 1p22.1.
Variant type: single nucleotide variant.
Coding change: c.302+67A>T on transcript NM_000350.3 (MANE Select); 67 bases into the intron after coding-DNA position 302, A replaced by T.
Molecular consequence: intron variant.
Genome position (GRCh38, 1-based): chr1:94,111,371, T>A on the plus strand (A>T on the coding strand, the complement: ABCA4 is on the minus strand). VCF-style: chr1-94111371-T-A. GRCh37 (hg19) VCF-style: chr1-94576927-T-A.
Other names: c.302+67A>T (NM_001425324.1).
Identifiers: ClinVar variation 4987932 (VCV004987932.1).
Genomic context (GRCh38, chr1:94,111,371, plus strand): 5'-AGGTTAGGGGCTCAGCAAAGCCACAAGAACACTCAGTGCTCCATGCTCCGTGCACGCACG[T>A]GTGCATTTCAGCACGTGAAGGGGTGTGCAACTTCCTCCCCTGCATGGTAGGGATCTCAAC-3'

ClinVar aggregate classification (germline): Likely benign (1 of 4 stars; one submission).

Conditions:
ABCA4-related disorder. Also called: ABCA4-related condition; ABCA4-related disorders. Identifiers: MedGen CN239167.

gnomAD v4.1: 128 of 1,582,694 alleles (0.0081%); highest among the groups gnomAD compares: Admixed American, 0.0068%; no homozygotes.

Submission:

PreventionGenetics, part of Exact Sciences
Classification: Likely benign for ABCA4-related condition. Last evaluated: 2025-05-27. Review status: criteria provided, single submitter. Criteria: ACMG Guidelines, 2015. Collection method: clinical testing. Allele origin: germline.
Comment: This variant is classified as likely benign based on ACMG/AMP sequence variant interpretation guidelines (Richards et al. 2015 PMID: 25741868, with internal and published modifications).